The following is an entry in ClinVar:

ClinVar aggregate classification (germline): Uncertain significance (1 of 4 stars; one submission).

Allele frequency attached by ClinVar (database versions not stated): TOPMed below 0.00001; gnomAD 0.00001; gnomAD exomes 0.00002.
gnomAD v4.1: 27 of 1,613,056 alleles (0.0017%); highest among the groups gnomAD compares: Non-Finnish European, 0.0023%; no homozygotes.

Submission:

Labcorp Genetics (formerly Invitae), Labcorp
Classification: Uncertain significance. Last evaluated: 2022-08-09. Review status: criteria provided, single submitter. Criteria: Invitae Variant Classification Sherloc (09022015). Collection method: clinical testing. Allele origin: germline.
Comment: In summary, the available evidence is currently insufficient to determine the role of this variant in disease. Therefore, it has been classified as a Variant of Uncertain Significance. Algorithms developed to predict the effect of missense changes on protein structure and function output the following: SIFT: "Tolerated"; PolyPhen-2: "Benign"; Align-GVGD: "Class C0". The isoleucine amino acid residue is found in multiple mammalian species, which suggests that this missense change does not adversely affect protein function. This variant has not been reported in the literature in individuals affected with CFH-related conditions. This variant is present in population databases (rs761008984, gnomAD 0.0009%). This sequence change replaces valine, which is neutral and non-polar, with isoleucine, which is neutral and non-polar, at codon 414 of the CFH protein (p.Val414Ile).

NM_000186.4(CFH):c.1240G>A (p.Val414Ile)

Gene: CFH (complement factor H; plus strand). Cytogenetic location: 1q31.3.
Variant type: single nucleotide variant.
Coding change: c.1240G>A on transcript NM_000186.4 (MANE Select); coding-DNA position 1240, G replaced by A.
Protein change: p.Val414Ile; replaces valine 414 with isoleucine.
Molecular consequence: missense variant.
Genome position (GRCh38, 1-based): chr1:196,690,143, G>A. VCF-style: chr1-196690143-G-A. GRCh37 (hg19) VCF-style: chr1-196659273-G-A.
Other names: c.1240G>A, p.Val414Ile (NM_001014975.3); short protein forms V414I.
Identifiers: ClinVar variation 1968602 (VCV001968602.5), dbSNP rs761008984, ClinGen allele CA35824807.